The following is an entry in ClinVar:

ClinVar aggregate classification (germline): Uncertain significance. Review status: criteria provided, multiple submitters, no conflicts (2 of 4 stars). 2 submissions from 2 submitters: Uncertain significance (2). Last evaluated 2024-03-06.

Conditions:
Arrhythmogenic right ventricular dysplasia 8 (ARVD8). Also called: ARRHYTHMOGENIC RIGHT VENTRICULAR DYSPLASIA, FAMILIAL, 8; ARRHYTHMOGENIC RIGHT VENTRICULAR CARDIOMYOPATHY 8; Arrhythmogenic Right Ventricular Dysplasia/Cardiomyopathy 8. Identifiers: MedGen C1843896, MONDO:0011831, OMIM 607450.
Arrhythmogenic cardiomyopathy with wooly hair and keratoderma. Also called: Carvajal syndrome; Dilated cardiomyopathy with woolly hair and keratoderma; PALMOPLANTAR KERATODERMA WITH LEFT VENTRICULAR CARDIOMYOPATHY AND WOOLLY HAIR; Arrhythmogenic cardiomyopathy with woolly hair and keratoderma. Identifiers: Orphanet 65282, MedGen C1854063, MONDO:0011581, OMIM 605676.
Cardiomyopathy (CMYO). Also called: Cardiomyopathies. Identifiers: Orphanet 167848, MedGen C0878544, MONDO:0004994, HP:0001638. Inheritance: Various modes of inheritance.

Submissions (2):

Color Diagnostics, LLC DBA Color Health
Classification: Uncertain significance for Cardiomyopathy. Last evaluated: 2024-03-06. Review status: criteria provided, single submitter. Criteria: ACMG Guidelines, 2015. Collection method: clinical testing. Allele origin: germline.
Comment: This missense variant replaces serine with leucine at codon 53 of the DSP protein. Computational prediction suggests that this variant may not impact protein structure and function (internally defined REVEL score threshold <= 0.5, PMID: 27666373). To our knowledge, functional studies have not been reported for this variant. This variant has not been reported in individuals affected with cardiovascular disorders in the literature. This variant has not been identified in the general population by the Genome Aggregation Database (gnomAD). The available evidence is insufficient to determine the role of this variant in disease conclusively. Therefore, this variant is classified as a Variant of Uncertain Significance.

Labcorp Genetics (formerly Invitae), Labcorp
Classification: Uncertain significance for Arrhythmogenic cardiomyopathy with wooly hair and keratoderma; Arrhythmogenic right ventricular dysplasia 8. Last evaluated: 2023-03-03. Review status: criteria provided, single submitter. Criteria: Invitae Variant Classification Sherloc (09022015). Collection method: clinical testing. Allele origin: germline.
Comment: In summary, the available evidence is currently insufficient to determine the role of this variant in disease. Therefore, it has been classified as a Variant of Uncertain Significance. An algorithm developed to predict the effect of missense changes on protein structure and function (PolyPhen-2) suggests that this variant is likely to be tolerated. ClinVar contains an entry for this variant (Variation ID: 848141). This variant has not been reported in the literature in individuals affected with DSP-related conditions. This variant is not present in population databases (gnomAD no frequency). This sequence change replaces serine, which is neutral and polar, with leucine, which is neutral and non-polar, at codon 53 of the DSP protein (p.Ser53Leu).

NM_004415.4(DSP):c.158C>T (p.Ser53Leu)

Genes: DSP-AS1 (DSP antisense RNA 1; minus strand), DSP (desmoplakin; plus strand). Cytogenetic location: 6p24.3.
Variant type: single nucleotide variant.
Coding change: c.158C>T on transcript NM_004415.4 (MANE Select); coding-DNA position 158, C replaced by T.
Protein change: p.Ser53Leu; replaces serine 53 with leucine.
Molecular consequence: missense variant.
Genome position (GRCh38, 1-based): chr6:7,542,073, C>T. VCF-style: chr6-7542073-C-T. GRCh37 (hg19) VCF-style: chr6-7542306-C-T.
Other names: c.158C>T, p.Ser53Leu (NM_001008844.3, NM_001319034.2); short protein forms S53L.
Identifiers: ClinVar variation 848141 (VCV000848141.15), dbSNP rs1398517175, ClinGen allele CA362676017.